The following is an entry in ClinVar:

NM_002860.4(ALDH18A1):c.1418T>C (p.Ile473Thr)

Gene: ALDH18A1 (aldehyde dehydrogenase 18 family member A1; minus strand). Cytogenetic location: 10q24.1.
Variant type: single nucleotide variant.
Coding change: c.1418T>C on transcript NM_002860.4 (MANE Select); coding-DNA position 1418, T replaced by C.
Protein change: p.Ile473Thr; replaces isoleucine 473 with threonine.
Molecular consequence: missense variant.
Genome position (GRCh38, 1-based): chr10:95,621,080, A>G on the plus strand (T>C on the coding strand, the complement: ALDH18A1 is on the minus strand). VCF-style: chr10-95621080-A-G. GRCh37 (hg19) VCF-style: chr10-97380837-A-G.
Other names: c.1412T>C, p.Ile471Thr (NM_001017423.2, NM_001323415.2); c.1085T>C, p.Ile362Thr (NM_001323412.2, NM_001323416.2); c.1418T>C, p.Ile473Thr (NM_001323413.2, NM_001323414.2); c.1313T>C, p.Ile438Thr (NM_001323417.2); c.1079T>C, p.Ile360Thr (NM_001323418.2); c.782T>C, p.Ile261Thr (NM_001323419.2); short protein forms I261T, I360T, I362T, I438T, I471T, I473T.
Identifiers: ClinVar variation 1309065 (VCV001309065.37), dbSNP rs2097851609, ClinGen allele CA377701325.

ClinVar aggregate classification (germline): Uncertain significance. Review status: criteria provided, multiple submitters, no conflicts (2 of 4 stars). 2 submissions from 2 submitters: Uncertain significance (2). Last evaluated 2021-11-01.

Allele frequency attached by ClinVar (database versions not stated): gnomAD exomes below 0.00001.
gnomAD v4.1: 2 of 1,614,178 alleles (0.00012%); highest among the groups gnomAD compares: Non-Finnish European, 0.00017%; no homozygotes.

Submissions (2):

CeGaT Center for Human Genetics Tuebingen
Classification: Uncertain significance. Last evaluated: 2021-11-01. Review status: criteria provided, single submitter. Criteria: CeGaT Center For Human Genetics Tuebingen Variant Classification Criteria Version 2. Collection method: clinical testing. Allele origin: germline. Affected: yes. Observed: 1 variant allele.

GeneDx
Classification: Uncertain significance. Last evaluated: 2019-10-14. Review status: criteria provided, single submitter. Criteria: GeneDx Variant Classification Process June 2021. Collection method: clinical testing. Allele origin: germline. Affected: yes.
Comment: Not observed in large population cohorts (Lek et al., 2016); In silico analysis, which includes protein predictors and evolutionary conservation, supports a deleterious effect; Has not been previously published as pathogenic or benign to our knowledge